The following is an entry in ClinVar:

NM_001297.5(CNGB1):c.3145C>T (p.His1049Tyr)

Gene: CNGB1 (cyclic nucleotide gated channel subunit beta 1; minus strand). Cytogenetic location: 16q21.
Variant type: single nucleotide variant.
Coding change: c.3145C>T on transcript NM_001297.5 (MANE Select); coding-DNA position 3145, C replaced by T.
Protein change: p.His1049Tyr; replaces histidine 1049 with tyrosine.
Molecular consequence: missense variant.
Genome position (GRCh38, 1-based): chr16:57,897,494, G>A on the plus strand (C>T on the coding strand, the complement: CNGB1 is on the minus strand). VCF-style: chr16-57897494-G-A. GRCh37 (hg19) VCF-style: chr16-57931398-G-A.
Other names: c.3127C>T, p.His1043Tyr (NM_001286130.2); short protein forms H1043Y, H1049Y.
Identifiers: ClinVar variation 1020556 (VCV001020556.10), dbSNP rs1960264486, ClinGen allele CA396066603.

ClinVar aggregate classification (germline): Uncertain significance (1 of 4 stars; one submission).

Allele frequency attached by ClinVar (database versions not stated): gnomAD 0.00001; TOPMed 0.00001.
gnomAD v4.1: 1 of 1,613,924 alleles (0.000062%); highest among the groups gnomAD compares: Non-Finnish European, 0.000085%; no homozygotes.

Submission:

Labcorp Genetics (formerly Invitae), Labcorp
Classification: Uncertain significance. Last evaluated: 2022-10-17. Review status: criteria provided, single submitter. Criteria: Invitae Variant Classification Sherloc (09022015). Collection method: clinical testing. Allele origin: germline.
Comment: In summary, the available evidence is currently insufficient to determine the role of this variant in disease. Therefore, it has been classified as a Variant of Uncertain Significance. Advanced modeling of protein sequence and biophysical properties (such as structural, functional, and spatial information, amino acid conservation, physicochemical variation, residue mobility, and thermodynamic stability) performed at Invitae indicates that this missense variant is not expected to disrupt CNGB1 protein function. ClinVar contains an entry for this variant (Variation ID: 1020556). This variant has not been reported in the literature in individuals affected with CNGB1-related conditions. This variant is not present in population databases (gnomAD no frequency). This sequence change replaces histidine, which is basic and polar, with tyrosine, which is neutral and polar, at codon 1049 of the CNGB1 protein (p.His1049Tyr).